The following is an entry in ClinVar:

ClinVar aggregate classification (germline): Uncertain significance. Review status: criteria provided, multiple submitters, no conflicts (2 of 4 stars). 2 submissions from 2 submitters: Uncertain significance (2). Last evaluated 2025-06-06.

Conditions:
Hereditary cancer-predisposing syndrome. Also called: Tumor predisposition; Hereditary Cancer Syndrome; Hereditary neoplastic syndrome; Neoplastic Syndromes, Hereditary. Identifiers: Orphanet 140162, MedGen C0027672, MeSH D009386, MONDO:0015356.
Gastrointestinal stromal tumor. Also called: Gastrointestinal stroma tumor; Gastrointestinal stromal tumor, somatic. Identifiers: Orphanet 44890, MedGen C0238198, MeSH D046152, MONDO:0011719, OMIM 606764, HP:0100723.

Allele frequency attached by ClinVar (database versions not stated): gnomAD exomes below 0.00001; ExAC 0.00001.
gnomAD v4.1: 1 of 1,587,036 alleles (0.000063%); highest among the groups gnomAD compares: East Asian, 0.0022%; no homozygotes.

Submissions (2):

Ambry Genetics
Classification: Uncertain significance for Hereditary cancer-predisposing syndrome. Last evaluated: 2025-06-06. Review status: criteria provided, single submitter. Criteria: Ambry Variant Classification Scheme 2023. Collection method: clinical testing. Allele origin: germline.
Comment: The p.G956E variant (also known as c.2867G>A), located in coding exon 20 of the PDGFRA gene, results from a G to A substitution at nucleotide position 2867. The glycine at codon 956 is replaced by glutamic acid, an amino acid with similar properties. This amino acid position is not well conserved in available vertebrate species. In addition, the in silico prediction for this alteration is inconclusive. Based on the available evidence, the clinical significance of this variant remains unclear.

Labcorp Genetics (formerly Invitae), Labcorp
Classification: Uncertain significance for Gastrointestinal stromal tumor. Last evaluated: 2021-09-03. Review status: criteria provided, single submitter. Criteria: Invitae Variant Classification Sherloc (09022015). Collection method: clinical testing. Allele origin: germline.
Comment: This sequence change replaces glycine with glutamic acid at codon 956 of the PDGFRA protein (p.Gly956Glu). The glycine residue is moderately conserved and there is a moderate physicochemical difference between glycine and glutamic acid. This variant is present in population databases (rs752010861, ExAC 0.01%). This variant has not been reported in the literature in individuals affected with PDGFRA-related conditions. Algorithms developed to predict the effect of missense changes on protein structure and function (SIFT, PolyPhen-2, Align-GVGD) all suggest that this variant is likely to be tolerated. In summary, the available evidence is currently insufficient to determine the role of this variant in disease. Therefore, it has been classified as a Variant of Uncertain Significance.

NM_006206.6(PDGFRA):c.2867G>A (p.Gly956Glu)

Gene: PDGFRA (platelet derived growth factor receptor alpha; plus strand). Cytogenetic location: 4q12.
Variant type: single nucleotide variant.
Coding change: c.2867G>A on transcript NM_006206.6 (MANE Select); coding-DNA position 2867, G replaced by A.
Protein change: p.Gly956Glu; replaces glycine 956 with glutamic acid.
Molecular consequence: missense variant.
Genome position (GRCh38, 1-based): chr4:54,289,101, G>A. VCF-style: chr4-54289101-G-A. GRCh37 (hg19) VCF-style: chr4-55155268-G-A.
Other names: c.2942G>A, p.Gly981Glu (NM_001347828.2); c.2867G>A, p.Gly956Glu (NM_001347829.2); c.2906G>A, p.Gly969Glu (NM_001347830.2); c.2867G>A (NM_006206.4); short protein forms G969E, G956E, G981E.
Identifiers: ClinVar variation 1397817 (VCV001397817.7), dbSNP rs752010861, ClinGen allele CA2922964.